The following is an entry in ClinVar:

NM_001510.4(GRID2):c.387T>G (p.Ser129Arg)

Gene: GRID2 (glutamate ionotropic receptor delta type subunit 2; plus strand). Cytogenetic location: 4q22.2.
Variant type: single nucleotide variant.
Coding change: c.387T>G on transcript NM_001510.4 (MANE Select); coding-DNA position 387, T replaced by G.
Protein change: p.Ser129Arg; replaces serine 129 with arginine.
Molecular consequence: missense variant. On other transcripts: intron variant (1).
Genome position (GRCh38, 1-based): chr4:93,085,137, T>G. VCF-style: chr4-93085137-T-G. GRCh37 (hg19) VCF-style: chr4-94006288-T-G.
Other names: c.245-25611T>G (NM_001286838.1); short protein forms S129R.
Identifiers: ClinVar variation 2007522 (VCV002007522.4), dbSNP rs1463894108, ClinGen allele CA357722906.

ClinVar aggregate classification (germline): Uncertain significance (1 of 4 stars; one submission).

Allele frequency attached by ClinVar (database versions not stated): gnomAD exomes below 0.00001.
gnomAD v4.1: 1 of 1,614,036 alleles (0.000062%); highest among the groups gnomAD compares: Non-Finnish European, 0.000085%; no homozygotes.

Submission:

Labcorp Genetics (formerly Invitae), Labcorp
Classification: Uncertain significance. Last evaluated: 2022-06-16. Review status: criteria provided, single submitter. Criteria: Invitae Variant Classification Sherloc (09022015). Collection method: clinical testing. Allele origin: germline.
Comment: This variant has not been reported in the literature in individuals affected with GRID2-related conditions. In summary, the available evidence is currently insufficient to determine the role of this variant in disease. Therefore, it has been classified as a Variant of Uncertain Significance. Algorithms developed to predict the effect of missense changes on protein structure and function are either unavailable or do not agree on the potential impact of this missense change (SIFT: "Deleterious"; PolyPhen-2: "Probably Damaging"; Align-GVGD: "Class C0"). This variant is present in population databases (no rsID available, gnomAD no frequency). This sequence change replaces serine, which is neutral and polar, with arginine, which is basic and polar, at codon 129 of the GRID2 protein (p.Ser129Arg).